The following is an entry in ClinVar:

ClinVar aggregate classification (germline): Uncertain significance (1 of 4 stars; one submission).

Submission:

Labcorp Genetics (formerly Invitae), Labcorp
Classification: Uncertain significance. Last evaluated: 2021-11-11. Review status: criteria provided, single submitter. Criteria: Invitae Variant Classification Sherloc (09022015). Collection method: clinical testing. Allele origin: germline.
Comment: This sequence change replaces arginine, which is basic and polar, with serine, which is neutral and polar, at codon 821 of the LIG1 protein (p.Arg821Ser). Information on the frequency of this variant in the gnomAD database is not available, as this variant may be reported differently in the database. In summary, the available evidence is currently insufficient to determine the role of this variant in disease. Therefore, it has been classified as a Variant of Uncertain Significance. Algorithms developed to predict the effect of missense changes on protein structure and function are either unavailable or do not agree on the potential impact of this missense change (SIFT: "Not Available"; PolyPhen-2: "Probably Damaging"; Align-GVGD: "Not Available"). This variant has not been reported in the literature in individuals affected with LIG1-related conditions.

NM_000234.3(LIG1):c.2461_2462delinsTC (p.Arg821Ser)

Gene: LIG1 (DNA ligase 1; minus strand). Cytogenetic location: 19q13.33.
Variant type: Indel.
Coding change: c.2461_2462delinsTC on transcript NM_000234.3 (MANE Select); coding-DNA positions 2461 to 2462, CG replaced by TC.
Protein change: p.Arg821Ser; replaces arginine 821 with serine.
Molecular consequence: missense variant. On other transcripts: non-coding transcript variant (6).
Genome position (GRCh38, 1-based): chr19:48,117,759-48,117,760, CG replaced by GA on the plus strand (CG replaced by TC on the coding strand, the reverse complement: LIG1 is on the minus strand). VCF-style: chr19-48117759-CG-GA. GRCh37 (hg19) VCF-style: chr19-48621016-CG-GA.
Other names: c.2368_2369delinsTC, p.Arg790Ser (NM_001289063.2); c.2257_2258delinsTC, p.Arg753Ser (NM_001289064.2); c.2458_2459delinsTC, p.Arg820Ser (NM_001320970.2); c.2371_2372delinsTC, p.Arg791Ser (NM_001320971.2); short protein forms R820S, R821S, R753S, R790S, R791S.
Identifiers: ClinVar variation 1380881 (VCV001380881.4), dbSNP rs2122281326, ClinGen allele CA2573156500.